The following is an entry in ClinVar:

ClinVar aggregate classification (germline): Conflicting classifications of pathogenicity. Review status: criteria provided, conflicting classifications (1 of 4 stars). 5 submissions from 5 submitters: Uncertain significance (1); Likely benign (4). Last evaluated 2025-11-04.

Conditions:
Neutral lipid storage myopathy (NLSDM). Also called: NEUTRAL LIPID STORAGE DISEASE WITHOUT ICHTHYOSIS. Identifiers: Orphanet 98908, MedGen C1853136, MONDO:0012545, OMIM 610717.

Allele frequency attached by ClinVar (database versions not stated): 1000 Genomes Project 30x 0.00016; TOPMed 0.00016; 1000 Genomes Project 0.00020; ESP Exome Variant Server 0.00031; gnomAD 0.00050 and 0.00052; ExAC 0.00065.
gnomAD v4.1: 561 of 1,590,248 alleles (0.035%); highest among the groups gnomAD compares: Non-Finnish European, 0.036%; 1 homozygote.

Submissions (5):

Labcorp Genetics (formerly Invitae), Labcorp
Classification: Likely benign for Neutral lipid storage myopathy. Last evaluated: 2025-11-04. Review status: criteria provided, single submitter. Criteria: Invitae Variant Classification Sherloc (09022015). Collection method: clinical testing. Allele origin: germline.

Laboratory of Genetics, Children's Clinical University Hospital Latvia
Classification: Likely benign. Last evaluated: 2025-02-16. Review status: criteria provided, single submitter. Criteria: ACMG Guidelines, 2015. Collection method: clinical testing. Allele origin: germline. Affected: yes.

Blueprint Genetics
Classification: Likely benign. Last evaluated: 2024-10-02. Review status: criteria provided, single submitter. Criteria: ACMG Guidelines, 2015. Collection method: clinical testing. Allele origin: germline.

CeGaT Center for Human Genetics Tuebingen
Classification: Likely benign. Last evaluated: 2022-10-01. Review status: criteria provided, single submitter. Criteria: CeGaT Center For Human Genetics Tuebingen Variant Classification Criteria Version 2. Collection method: clinical testing. Allele origin: germline. Affected: yes. Observed: 2 variant alleles.
Comment: PNPLA2: BP4, BP7

Illumina Laboratory Services, Illumina
Classification: Uncertain significance for Neutral lipid storage myopathy. Last evaluated: 2018-01-12. Review status: criteria provided, single submitter. Criteria: ICSL Variant Classification Criteria 13 December 2019. Collection method: clinical testing. Allele origin: germline.

NM_020376.4(PNPLA2):c.903C>T (p.Pro301=)

Gene: PNPLA2 (patatin like domain 2, triacylglycerol lipase; plus strand). Cytogenetic location: 11p15.5.
Variant type: single nucleotide variant.
Coding change: c.903C>T on transcript NM_020376.4 (MANE Select); coding-DNA position 903, C replaced by T.
Protein change: p.Pro301=; no amino-acid change (proline 301 retained).
Molecular consequence: synonymous variant.
Genome position (GRCh38, 1-based): chr11:823,839, C>T. VCF-style: chr11-823839-C-T. GRCh37 (hg19) VCF-style: chr11-823839-C-T.
Identifiers: ClinVar variation 306302 (VCV000306302.43), dbSNP rs141190104, ClinGen allele CA5791220.